The following is an entry in ClinVar:

NM_003983.6(SLC7A6):c.1488T>C (p.Phe496=)

Gene: SLC7A6 (solute carrier family 7 member 6; plus strand). Cytogenetic location: 16q22.1.
Variant type: single nucleotide variant.
Coding change: c.1488T>C on transcript NM_003983.6 (MANE Select); coding-DNA position 1488, T replaced by C.
Protein change: p.Phe496=; no amino-acid change (phenylalanine 496 retained).
Molecular consequence: synonymous variant.
Genome position (GRCh38, 1-based): chr16:68,297,268, T>C. VCF-style: chr16-68297268-T-C. GRCh37 (hg19) VCF-style: chr16-68331171-T-C.
Other names: c.1488T>C, p.Phe496= (NM_001076785.3).
Identifiers: ClinVar variation 3045806 (VCV003045806.2), dbSNP rs143248146, ClinGen allele CA8126541.

ClinVar aggregate classification (germline): Likely benign (0 of 4 stars; one submission).

Conditions:
SLC7A6-related disorder. Also called: SLC7A6-related condition.

Allele frequency attached by ClinVar (database versions not stated): gnomAD exomes 0.00006; ExAC 0.00022; TOPMed 0.00042; gnomAD 0.00048; ESP Exome Variant Server 0.00069; 1000 Genomes Project 0.00120; 1000 Genomes Project 30x 0.00125.
gnomAD v4.1: 153 of 1,614,168 alleles (0.0095%); highest among the groups gnomAD compares: African/African-American, 0.2%; no homozygotes.

Submission:

PreventionGenetics, part of Exact Sciences
Classification: Likely benign for SLC7A6-related condition. Last evaluated: 2019-10-28. Review status: no assertion criteria provided. Collection method: clinical testing. Allele origin: germline.
Comment: This variant is classified as likely benign based on ACMG/AMP sequence variant interpretation guidelines (Richards et al. 2015 PMID: 25741868, with internal and published modifications).